The following is an entry in ClinVar:

NM_001079872.2(CUL4B):c.-9G>T

Genes: CUL4B (cullin 4B; minus strand), LOC113845788 (Sharpr-MPRA regulatory region 11856; plus strand). Cytogenetic location: Xq24.
Variant type: single nucleotide variant.
Coding change: c.-9G>T on transcript NM_001079872.2 (MANE Select); 9 bases upstream of the start codon, G replaced by T.
Molecular consequence: 5 prime UTR variant. On other transcripts: intron variant (2).
Genome position (GRCh38, 1-based): chrX:120,560,647, C>A on the plus strand (G>T on the coding strand, the complement: CUL4B is on the minus strand). VCF-style: chrX-120560647-C-A. GRCh37 (hg19) VCF-style: chrX-119694502-C-A.
Other names: c.68-22G>T (NM_003588.4); c.29-22G>T (NM_001330624.2).
Identifiers: ClinVar variation 4994313 (VCV004994313.1).

ClinVar aggregate classification (germline): Likely benign (1 of 4 stars; one submission).

Conditions:
CUL4B-related disorder. Also called: CUL4B-related condition.

Submission:

PreventionGenetics, part of Exact Sciences
Classification: Likely benign for CUL4B-related condition. Last evaluated: 2026-09-10. Review status: criteria provided, single submitter. Criteria: ACMG Guidelines, 2015. Collection method: clinical testing. Allele origin: germline.
Comment: This variant is classified as likely benign based on ACMG/AMP sequence variant interpretation guidelines (Richards et al. 2015 PMID: 25741868, with internal and published modifications).